The following is an entry in ClinVar:

NM_139319.3(SLC17A8):c.1330C>T (p.Arg444Cys)

Gene: SLC17A8 (solute carrier family 17 member 8; plus strand). Cytogenetic location: 12q23.1.
Variant type: single nucleotide variant.
Coding change: c.1330C>T on transcript NM_139319.3 (MANE Select); coding-DNA position 1330, C replaced by T.
Protein change: p.Arg444Cys; replaces arginine 444 with cysteine.
Molecular consequence: missense variant.
Genome position (GRCh38, 1-based): chr12:100,418,061, C>T. VCF-style: chr12-100418061-C-T. GRCh37 (hg19) VCF-style: chr12-100811839-C-T.
Other names: c.1330C>T (NM_139319.2); c.1180C>T, p.Arg394Cys (NM_001145288.2); short protein forms R394C, R444C.
Identifiers: ClinVar variation 1420306 (VCV001420306.12), dbSNP rs374159026, ClinGen allele CA6739007.

ClinVar aggregate classification (germline): Uncertain significance. Review status: criteria provided, multiple submitters, no conflicts (2 of 4 stars). 5 submissions from 5 submitters: Uncertain significance (5). Last evaluated 2025-10-29.

Conditions:
Autosomal dominant nonsyndromic hearing loss 25. Identifiers: Orphanet 90635, MedGen C1854158, MONDO:0011568, OMIM 605583.
Inborn genetic diseases. Identifiers: MedGen C0950123, MeSH D030342.

Allele frequency attached by ClinVar (database versions not stated): ExAC 0.00001; gnomAD exomes 0.00002 and 0.00003; gnomAD 0.00003 and 0.00004; TOPMed 0.00005; ESP Exome Variant Server 0.00008.
gnomAD v4.1: 41 of 1,614,080 alleles (0.0025%); highest among the groups gnomAD compares: Admixed American, 0.017%; no homozygotes.

Submissions (5):

Ambry Genetics
Classification: Uncertain significance for Inborn genetic diseases. Last evaluated: 2025-10-29. Review status: criteria provided, single submitter. Criteria: Ambry Variant Classification Scheme 2023. Collection method: clinical testing. Allele origin: germline.

GeneDx
Classification: Uncertain significance. Last evaluated: 2025-02-11. Review status: criteria provided, single submitter. Criteria: GeneDx Variant Classification Process June 2021. Collection method: clinical testing. Allele origin: germline. Affected: yes.
Comment: In silico analysis supports that this missense variant has a deleterious effect on protein structure/function; Has not been previously published as pathogenic or benign to our knowledge

3billion
Classification: Uncertain significance for Autosomal dominant nonsyndromic hearing loss 25. Last evaluated: 2024-11-14. Review status: criteria provided, single submitter. Criteria: ACMG Guidelines, 2015. Collection method: clinical testing. Allele origin: germline. Affected: yes.
Comment: The variant is observed at an extremely low frequency in the gnomAD v4.1.0 dataset (total allele frequency: 0.003%). Predicted Consequence/Location: Missense variant In silico tool predictions suggest damaging effect of the variant on gene or gene product [3Cnet: 0.61 (>=0.6, sensitivity 0.72 and precision 0.9)]. The variant has been reported as of uncertain significance (ClinVar ID: VCV001420306). Different missense changes at the same codon have been reported as of uncertain significance (ClinVar ID: VCV000883187). Therefore, this variant is classified as VUS according to the recommendation of ACMG/AMP guideline.

Labcorp Genetics (formerly Invitae), Labcorp
Classification: Uncertain significance. Last evaluated: 2024-01-02. Review status: criteria provided, single submitter. Criteria: Invitae Variant Classification Sherloc (09022015). Collection method: clinical testing. Allele origin: germline.
Comment: This sequence change replaces arginine, which is basic and polar, with cysteine, which is neutral and slightly polar, at codon 444 of the SLC17A8 protein (p.Arg444Cys). This variant is present in population databases (rs374159026, gnomAD 0.01%). This variant has not been reported in the literature in individuals affected with SLC17A8-related conditions. ClinVar contains an entry for this variant (Variation ID: 1420306). Advanced modeling of protein sequence and biophysical properties (such as structural, functional, and spatial information, amino acid conservation, physicochemical variation, residue mobility, and thermodynamic stability) has been performed at Invitae for this missense variant, however the output from this modeling did not meet the statistical confidence thresholds required to predict the impact of this variant on SLC17A8 protein function. In summary, the available evidence is currently insufficient to determine the role of this variant in disease. Therefore, it has been classified as a Variant of Uncertain Significance.

Fulgent Genetics
Classification: Uncertain significance for Autosomal dominant nonsyndromic hearing loss 25. Last evaluated: 2021-07-28. Review status: criteria provided, single submitter. Criteria: ACMG Guidelines, 2015. Collection method: clinical testing. Allele origin: unknown.